The following is an entry in ClinVar:

ClinVar aggregate classification (germline): Uncertain significance (1 of 4 stars; one submission).

Conditions:
Baller-Gerold syndrome (BGS). Also called: CRANIOSYNOSTOSIS WITH RADIAL DEFECTS. Identifiers: Orphanet 1225, MedGen C0265308, MONDO:0009039, OMIM 218600.

Allele frequency attached by ClinVar (database versions not stated): gnomAD exomes below 0.00001; gnomAD 0.00001; TOPMed 0.00002.
gnomAD v4.1: 3 of 1,612,176 alleles (0.00019%); highest among the groups gnomAD compares: African/African-American, 0.004%; no homozygotes.

Submission:

Labcorp Genetics (formerly Invitae), Labcorp
Classification: Uncertain significance for Baller-Gerold syndrome. Last evaluated: 2023-03-27. Review status: criteria provided, single submitter. Criteria: Invitae Variant Classification Sherloc (09022015). Collection method: clinical testing. Allele origin: germline.
Comment: This variant has not been reported in the literature in individuals affected with RECQL4-related conditions. ClinVar contains an entry for this variant (Variation ID: 1509131). Advanced modeling of protein sequence and biophysical properties (such as structural, functional, and spatial information, amino acid conservation, physicochemical variation, residue mobility, and thermodynamic stability) performed at Invitae indicates that this missense variant is not expected to disrupt RECQL4 protein function. In summary, the available evidence is currently insufficient to determine the role of this variant in disease. Therefore, it has been classified as a Variant of Uncertain Significance. This sequence change replaces glutamine, which is neutral and polar, with lysine, which is basic and polar, at codon 107 of the RECQL4 protein (p.Gln107Lys). This variant is present in population databases (no rsID available, gnomAD 0.008%).

NM_004260.4(RECQL4):c.319C>A (p.Gln107Lys)

Gene: RECQL4 (RecQ like helicase 4; minus strand). Cytogenetic location: 8q24.3.
Variant type: single nucleotide variant.
Coding change: c.319C>A on transcript NM_004260.4 (MANE Select); coding-DNA position 319, C replaced by A.
Protein change: p.Gln107Lys; replaces glutamine 107 with lysine.
Molecular consequence: missense variant.
Genome position (GRCh38, 1-based): chr8:144,517,085, G>T on the plus strand (C>A on the coding strand, the complement: RECQL4 is on the minus strand). VCF-style: chr8-144517085-G-T. GRCh37 (hg19) VCF-style: chr8-145742469-G-T.
Other names: short protein forms Q107K.
Identifiers: ClinVar variation 1509131 (VCV001509131.6), dbSNP rs1026197269, ClinGen allele CA187690479.